The following is an entry in ClinVar:

ClinVar aggregate classification (germline): Uncertain significance (1 of 4 stars; one submission).

Submission:

Labcorp Genetics (formerly Invitae), Labcorp
Classification: Uncertain significance. Last evaluated: 2024-10-26. Review status: criteria provided, single submitter. Criteria: Invitae Variant Classification Sherloc (09022015). Collection method: clinical testing. Allele origin: germline.
Comment: This sequence change replaces isoleucine, which is neutral and non-polar, with asparagine, which is neutral and polar, at codon 487 of the FH protein (p.Ile487Asn). This variant is not present in population databases (gnomAD no frequency). This variant has not been reported in the literature in individuals affected with FH-related conditions. Invitae Evidence Modeling of protein sequence and biophysical properties (such as structural, functional, and spatial information, amino acid conservation, physicochemical variation, residue mobility, and thermodynamic stability) has been performed for this missense variant. However, the output from this modeling did not meet the statistical confidence thresholds required to predict the impact of this variant on FH protein function. In summary, the available evidence is currently insufficient to determine the role of this variant in disease. Therefore, it has been classified as a Variant of Uncertain Significance.

NM_000143.4(FH):c.1460T>A (p.Ile487Asn)

Gene: FH (fumarate hydratase; minus strand). Cytogenetic location: 1q43.
Variant type: single nucleotide variant.
Coding change: c.1460T>A on transcript NM_000143.4 (MANE Select); coding-DNA position 1460, T replaced by A.
Protein change: p.Ile487Asn; replaces isoleucine 487 with asparagine.
Molecular consequence: missense variant.
Genome position (GRCh38, 1-based): chr1:241,497,901, A>T on the plus strand (T>A on the coding strand, the complement: FH is on the minus strand). VCF-style: chr1-241497901-A-T. GRCh37 (hg19) VCF-style: chr1-241661201-A-T.
Other names: short protein forms I487N.
Identifiers: ClinVar variation 3698062 (VCV003698062.2).